The following is an entry in ClinVar:

NM_001367479.1(DNAH14):c.749A>G (p.Lys250Arg)

Gene: DNAH14 (dynein axonemal heavy chain 14; plus strand). Cytogenetic location: 1q42.12.
Variant type: single nucleotide variant.
Coding change: c.749A>G on transcript NM_001367479.1 (MANE Select); coding-DNA position 749, A replaced by G.
Protein change: p.Lys250Arg; replaces lysine 250 with arginine.
Molecular consequence: missense variant.
Genome position (GRCh38, 1-based): chr1:224,968,856, A>G. VCF-style: chr1-224968856-A-G. GRCh37 (hg19) VCF-style: chr1-225156558-A-G.
Other names: c.749A>G, p.Lys250Arg (NM_001145154.3, NM_001367481.1); c.680A>G, p.Lys227Arg (NM_001349911.2); c.599A>G, p.Lys200Arg (NM_001349912.2); short protein forms K200R, K227R, K250R.
Identifiers: ClinVar variation 2639940 (VCV002639940.24), dbSNP rs995441482, ClinGen allele CA39011666.

ClinVar aggregate classification (germline): Likely benign (1 of 4 stars; one submission).

Allele frequency attached by ClinVar (database versions not stated): gnomAD exomes 0.00001; gnomAD 0.00002; TOPMed 0.00002.
gnomAD v4.1: 24 of 1,541,422 alleles (0.0016%); highest among the groups gnomAD compares: Non-Finnish European, 0.00052%; no homozygotes.

Submission:

CeGaT Center for Human Genetics Tuebingen
Classification: Likely benign. Last evaluated: 2022-12-01. Review status: criteria provided, single submitter. Criteria: CeGaT Center For Human Genetics Tuebingen Variant Classification Criteria Version 2. Collection method: clinical testing. Allele origin: germline. Affected: yes. Observed: 1 variant allele.
Comment: DNAH14: BP4